The following is an entry in ClinVar:

ClinVar aggregate classification (germline): Uncertain significance. Review status: criteria provided, multiple submitters, no conflicts (2 of 4 stars). 2 submissions from 2 submitters: Uncertain significance (2). Last evaluated 2022-07-05.

Conditions:
Inborn genetic diseases. Identifiers: MedGen C0950123, MeSH D030342.

Allele frequency attached by ClinVar (database versions not stated): gnomAD exomes below 0.00001 and 0.00003; gnomAD 0.00001; TOPMed 0.00001.
gnomAD v4.1: 24 of 1,612,110 alleles (0.0015%); highest among the groups gnomAD compares: Non-Finnish European, 0.002%; no homozygotes.

Submissions (2):

Labcorp Genetics (formerly Invitae), Labcorp
Classification: Uncertain significance. Last evaluated: 2022-07-05. Review status: criteria provided, single submitter. Criteria: Invitae Variant Classification Sherloc (09022015). Collection method: clinical testing. Allele origin: germline.
Comment: Algorithms developed to predict the effect of sequence changes on RNA splicing suggest that this variant may disrupt the consensus splice site. In summary, the available evidence is currently insufficient to determine the role of this variant in disease. Therefore, it has been classified as a Variant of Uncertain Significance. Algorithms developed to predict the effect of missense changes on protein structure and function output the following: SIFT: "Tolerated"; PolyPhen-2: "Benign"; Align-GVGD: "Class C0". The arginine amino acid residue is found in multiple mammalian species, which suggests that this missense change does not adversely affect protein function. ClinVar contains an entry for this variant (Variation ID: 1446950). This variant has not been reported in the literature in individuals affected with CEP63-related conditions. This variant is present in population databases (no rsID available, gnomAD 0.0009%). This sequence change replaces histidine, which is basic and polar, with arginine, which is basic and polar, at codon 13 of the CEP63 protein (p.His13Arg).

Ambry Genetics
Classification: Uncertain significance for Inborn genetic diseases. Last evaluated: 2021-11-12. Review status: criteria provided, single submitter. Criteria: Ambry Variant Classification Scheme 2023. Collection method: clinical testing. Allele origin: germline.

NM_001353108.3(CEP63):c.38A>G (p.His13Arg)

Gene: CEP63 (centrosomal protein 63; plus strand). Cytogenetic location: 3q22.2.
Variant type: single nucleotide variant.
Coding change: c.38A>G on transcript NM_001353108.3 (MANE Select); coding-DNA position 38, A replaced by G.
Protein change: p.His13Arg; replaces histidine 13 with arginine.
Molecular consequence: missense variant. On other transcripts: synonymous variant (1), 5 prime UTR variant (2), non-coding transcript variant (4).
Genome position (GRCh38, 1-based): chr3:134,495,358, A>G. VCF-style: chr3-134495358-A-G. GRCh37 (hg19) VCF-style: chr3-134214200-A-G.
Other names: c.38A>G (NM_025180.3); c.38A>G, p.His13Arg (NM_001042383.2, NM_001042384.2, NM_001042400.3 and 13 more transcripts); c.69A>G, p.Ala23= (NM_001353118.1); c.-43A>G (NM_001353125.2); c.-344A>G (NM_001353126.2); short protein forms H13R.
Identifiers: ClinVar variation 1446950 (VCV001446950.7), dbSNP rs1263153790, ClinGen allele CA354627373.